The following is an entry in ClinVar:

NM_000275.3(OCA2):c.1113C>T (p.Gly371=)

Gene: OCA2 (OCA2 melanosomal transmembrane protein; minus strand). Cytogenetic location: 15q13.1.
Variant type: single nucleotide variant.
Coding change: c.1113C>T on transcript NM_000275.3 (MANE Select); coding-DNA position 1113, C replaced by T.
Protein change: p.Gly371=; no amino-acid change (glycine 371 retained).
Molecular consequence: synonymous variant. On other transcripts: intron variant (1).
Genome position (GRCh38, 1-based): chr15:27,990,579, G>A on the plus strand (C>T on the coding strand, the complement: OCA2 is on the minus strand). VCF-style: chr15-27990579-G-A. GRCh37 (hg19) VCF-style: chr15-28235725-G-A.
Other names: c.1045-913C>T (NM_001300984.2).
Identifiers: ClinVar variation 193573 (VCV000193573.25), dbSNP rs1800405, ClinGen allele CA200664.

ClinVar aggregate classification (germline): Benign. Review status: criteria provided, multiple submitters, no conflicts (2 of 4 stars). 8 submissions from 8 submitters: Benign (8). Last evaluated 2026-02-04.

Conditions:
Tyrosinase-positive oculocutaneous albinism (OCA2). Also called: Oculocutaneous albinism type 2; Albinism, oculocutaneous, type II; ALBINISM II. Identifiers: Orphanet 79432, MedGen C0268495, MONDO:0008746, OMIM 203200.

Allele frequency attached by ClinVar (database versions not stated): gnomAD exomes 0.01379 and 0.02431; gnomAD 0.01593 and 0.01661; 1000 Genomes Project 0.01917; 1000 Genomes Project 30x 0.02030; ExAC 0.02056; TOPMed 0.02113; ESP Exome Variant Server 0.00900.
gnomAD v4.1: 22,663 of 1,613,562 alleles (1.4%); highest among the groups gnomAD compares: Admixed American, 9.8%; 479 homozygotes.

Submissions (14):

Labcorp Genetics (formerly Invitae), Labcorp
Classification: Benign. Last evaluated: 2026-02-04. Review status: criteria provided, single submitter. Criteria: Invitae Variant Classification Sherloc (09022015). Collection method: clinical testing. Allele origin: germline.

Women's Health and Genetics/Laboratory Corporation of America, LabCorp
Classification: Benign. Last evaluated: 2024-11-11. Review status: criteria provided, single submitter. Criteria: LabCorp Variant Classification Summary - May 2015. Collection method: clinical testing. Allele origin: germline.

Mendelics
Classification: Benign for Tyrosinase-positive oculocutaneous albinism. Last evaluated: 2019-05-28. Review status: criteria provided, single submitter. Criteria: Mendelics Assertion Criteria 2017. Collection method: clinical testing. Allele origin: unknown.

GeneDx
Classification: Benign. Last evaluated: 2018-11-12. Review status: criteria provided, single submitter. Criteria: GeneDx Variant Classification Process June 2021. Collection method: clinical testing. Allele origin: germline. Affected: yes.
Comment: This variant is associated with the following publications: (PMID: 27884173, 21541274)

Illumina Laboratory Services, Illumina
Classification: Benign for Tyrosinase-positive oculocutaneous albinism. Last evaluated: 2018-01-12. Review status: criteria provided, single submitter. Criteria: ICSL Variant Classification Criteria 13 December 2019. Collection method: clinical testing. Allele origin: germline.
Comment: This variant was observed in the ICSL laboratory as part of a predisposition screen in an ostensibly healthy population. It had not been previously curated by ICSL or reported in the Human Gene Mutation Database (HGMD: prior to June 1st, 2018), and was therefore a candidate for classification through an automated scoring system. Utilizing variant allele frequency, disease prevalence and penetrance estimates, and inheritance mode, an automated score was calculated to assess if this variant is too frequent to cause the disease. Based on the score and internal cut-off values, a variant classified as benign is not then subjected to further curation. The score for this variant resulted in a classification of benign for this disease.

Eurofins Ntd Llc (ga)
Classification: Benign. Last evaluated: 2014-08-29. Review status: criteria provided, single submitter. Criteria: EGL Classification Definitions 2015. Collection method: clinical testing. Allele origin: germline.

Breakthrough Genomics
Classification: Benign. Review status: criteria provided, single submitter. Criteria: ACMG Guidelines, 2015. Collection method: not provided. Allele origin: germline. Inheritance: Autosomal recessive inheritance. Affected: yes.

PreventionGenetics, part of Exact Sciences
Classification: Benign. Review status: criteria provided, single submitter. Criteria: ACMG Guidelines, 2015. Collection method: clinical testing. Allele origin: germline.

Dr. Peter K. Rogan Lab, Western University
No classification provided (evidence only). Condition: Lung cancer. Review status: no classification provided. Collection method: in vitro. Allele origin: not applicable. Functional consequence: skipped exon, retained intron. Not counted in ClinVar's aggregate classification.

Dr. Peter K. Rogan Lab, Western University
No classification provided (evidence only). Condition: Melanoma. Review status: no classification provided. Collection method: in vitro. Allele origin: not applicable. Functional consequence: skipped exon. Not counted in ClinVar's aggregate classification.

Dr. Peter K. Rogan Lab, Western University
No classification provided (evidence only). Condition: Colon adenocarcinoma. Review status: no classification provided. Collection method: in vitro. Allele origin: not applicable. Functional consequence: retained intron. Not counted in ClinVar's aggregate classification.

Dr. Peter K. Rogan Lab, Western University
No classification provided (evidence only). Condition: Colorectal cancer. Review status: no classification provided. Collection method: in vitro. Allele origin: not applicable. Functional consequence: retained intron. Not counted in ClinVar's aggregate classification.

Dr. Peter K. Rogan Lab, Western University
No classification provided (evidence only). Condition: Uterine corpus endometrial carcinoma. Review status: no classification provided. Collection method: in vitro. Allele origin: not applicable. Functional consequence: retained intron. Not counted in ClinVar's aggregate classification.

Dr. Peter K. Rogan Lab, Western University
No classification provided (evidence only). Condition: Cervical cancer. Review status: no classification provided. Collection method: in vitro. Allele origin: not applicable. Functional consequence: skipped exon, retained intron. Not counted in ClinVar's aggregate classification.